The following is an entry in ClinVar:

ClinVar aggregate classification (germline): Uncertain significance (1 of 4 stars; one submission).

Conditions:
Inborn genetic diseases. Identifiers: MedGen C0950123, MeSH D030342.

Submission:

Ambry Genetics
Classification: Uncertain significance for Inborn genetic diseases. Last evaluated: 2018-01-09. Review status: criteria provided, single submitter. Criteria: Ambry Variant Classification Scheme 2023. Collection method: clinical testing. Allele origin: germline.
Comment: The p.T136N variant (also known as c.407C>A), located in coding exon 2 of the EPM2A gene, results from a C to A substitution at nucleotide position 407. The threonine at codon 136 is replaced by asparagine, an amino acid with similar properties. This amino acid position is highly conserved in available vertebrate species. In addition, the in silico prediction for this alteration is inconclusive. Since supporting evidence is limited at this time, the clinical significance of this alteration remains unclear.

Literature cited by the submitters: PubMed 22618127.

NM_005670.4(EPM2A):c.407C>A (p.Thr136Asn)

Gene: EPM2A (EPM2A glucan phosphatase, laforin; minus strand). Cytogenetic location: 6q24.3.
Variant type: single nucleotide variant.
Coding change: c.407C>A on transcript NM_005670.4 (MANE Select); coding-DNA position 407, C replaced by A.
Protein change: p.Thr136Asn; replaces threonine 136 with asparagine.
Molecular consequence: missense variant. On other transcripts: 5 prime UTR variant (5), non-coding transcript variant (1).
Genome position (GRCh38, 1-based): chr6:145,686,191, G>T on the plus strand (C>A on the coding strand, the complement: EPM2A is on the minus strand). VCF-style: chr6-145686191-G-T. GRCh37 (hg19) VCF-style: chr6-146007327-G-T.
Other names: c.407C>A, p.Thr136Asn (NM_001018041.2, NM_001360057.2, NM_001368130.1); c.-8C>A (NM_001360064.2, NM_001360071.2, NM_001368131.1); c.-217C>A (NM_001368129.2, NM_001368132.1); short protein forms T136N.
Identifiers: ClinVar variation 1737606 (VCV001737606.2), dbSNP rs2533940530, ClinGen allele CA366188435.